The following is an entry in ClinVar:

NM_001039591.3(USP9X):c.4275G>A (p.Thr1425=)

Gene: USP9X (ubiquitin specific peptidase 9 X-linked; plus strand). Cytogenetic location: Xp11.4.
Variant type: single nucleotide variant.
Coding change: c.4275G>A on transcript NM_001039591.3 (MANE Select); coding-DNA position 4275, G replaced by A.
Protein change: p.Thr1425=; no amino-acid change (threonine 1425 retained).
Molecular consequence: synonymous variant.
Genome position (GRCh38, 1-based): chrX:41,197,405, G>A. VCF-style: chrX-41197405-G-A. GRCh37 (hg19) VCF-style: chrX-41056658-G-A.
Other names: c.4275G>A (NM_001039590.2); c.4275G>A, p.Thr1425= (NM_001039590.3); c.4290G>A, p.Thr1430= (NM_001410748.1, NM_001410749.1).
Identifiers: ClinVar variation 2660329 (VCV002660329.28), dbSNP rs2519311881, ClinGen allele CA515973207.

ClinVar aggregate classification (germline): Likely benign. Review status: criteria provided, multiple submitters, no conflicts (2 of 4 stars). 3 submissions from 3 submitters: Likely benign (2). 1 of the submissions does not count toward it. Last evaluated 2024-09-30.

Conditions:
USP9X-related disorder. Also called: USP9X-related condition.

Submissions (3):

Labcorp Genetics (formerly Invitae), Labcorp
Classification: Likely benign. Last evaluated: 2024-09-30. Review status: criteria provided, single submitter. Criteria: Invitae Variant Classification Sherloc (09022015). Collection method: clinical testing. Allele origin: germline.

CeGaT Center for Human Genetics Tuebingen
Classification: Likely benign. Last evaluated: 2023-11-01. Review status: criteria provided, single submitter. Criteria: CeGaT Center For Human Genetics Tuebingen Variant Classification Criteria Version 2. Collection method: clinical testing. Allele origin: germline. Affected: yes. Observed: 1 variant allele.
Comment: USP9X: BP4, BP7

PreventionGenetics, part of Exact Sciences
Classification: Likely benign for USP9X-related condition. Last evaluated: 2021-03-02. Review status: no assertion criteria provided. Collection method: clinical testing. Allele origin: germline. Not counted in ClinVar's aggregate classification.
Comment: This variant is classified as likely benign based on ACMG/AMP sequence variant interpretation guidelines (Richards et al. 2015 PMID: 25741868, with internal and published modifications).